The following is an entry in ClinVar:

NM_002332.3(LRP1):c.3961A>G (p.Ile1321Val)

Gene: LRP1 (LDL receptor related protein 1; plus strand). Cytogenetic location: 12q13.3.
Variant type: single nucleotide variant.
Coding change: c.3961A>G on transcript NM_002332.3 (MANE Select); coding-DNA position 3961, A replaced by G.
Protein change: p.Ile1321Val; replaces isoleucine 1321 with valine.
Molecular consequence: missense variant.
Genome position (GRCh38, 1-based): chr12:57,176,076, A>G. VCF-style: chr12-57176076-A-G. GRCh37 (hg19) VCF-style: chr12-57569859-A-G.
Other names: short protein forms I1321V.
Identifiers: ClinVar variation 4976654 (VCV004976654.1).

ClinVar aggregate classification (germline): Uncertain significance (1 of 4 stars; one submission).

gnomAD v4.1: 2 of 1,614,166 alleles (0.00012%); highest among the groups gnomAD compares: Non-Finnish European, 0.00017%; no homozygotes.

Submission:

GeneDx
Classification: Uncertain significance. Last evaluated: 2023-08-15. Review status: criteria provided, single submitter. Criteria: GeneDx Variant Classification Process June 2021. Collection method: clinical testing. Allele origin: germline.
Comment: Not observed at significant frequency in large population cohorts (gnomAD); In silico analysis supports that this missense variant does not alter protein structure/function; In silico analysis suggests this variant may impact gene splicing. In the absence of RNA/functional studies, the actual effect of this sequence change is unknown.; Has not been previously published as pathogenic or benign to our knowledge; Variants in candidate genes are classified as variants of uncertain significance in accordance with ACMG guidelines (Richards et al., 2015)